The following is an entry in ClinVar:

ClinVar aggregate classification (germline): Uncertain significance (1 of 4 stars; one submission).

Conditions:
Holoprosencephaly 2 (HPE2). Identifiers: Orphanet 2162, MedGen C1834877, MONDO:0007999, OMIM 157170.

Submission:

Labcorp Genetics (formerly Invitae), Labcorp
Classification: Uncertain significance for Holoprosencephaly 2. Last evaluated: 2022-03-19. Review status: criteria provided, single submitter. Criteria: Invitae Variant Classification Sherloc (09022015). Collection method: clinical testing. Allele origin: germline.
Comment: This variant, c.199_207dup, results in the insertion of 3 amino acid(s) of the SIX3 protein (p.Gly67_Gly69dup), but otherwise preserves the integrity of the reading frame. This variant is not present in population databases (gnomAD no frequency). This variant has not been reported in the literature in individuals affected with SIX3-related conditions. In summary, the available evidence is currently insufficient to determine the role of this variant in disease. Therefore, it has been classified as a Variant of Uncertain Significance.

NM_005413.4(SIX3):c.187GGC[10] (p.Gly69_Ser70insGlyGlyGly)

Gene: SIX3 (SIX homeobox 3; plus strand). Cytogenetic location: 2p21.
Variant type: Microsatellite.
Coding change: c.187GGC[10] on transcript NM_005413.4 (MANE Select); ten copies in a row of the 3-base unit GGC starting at c.187; the reference has seven copies in a row; three copies, 9 bases duplicated.
Protein change: p.Gly69_Ser70insGlyGlyGly.
Molecular consequence: inframe insertion.
Genome position (GRCh38, 1-based): chr2:44,942,303-44,942,311, GGCGGCGGC duplicated; duplicating any 9 consecutive bases within chr2:44,942,291-44,942,311 gives the same sequence; the position shown is the placement nearest the transcript's 3' end. VCF-style (leftmost placement, unchanged base first): chr2-44942290-A-AGGCGGCGGC. GRCh37 (hg19) VCF-style: chr2-45169429-A-AGGCGGCGGC.
Identifiers: ClinVar variation 2180945 (VCV002180945.4), dbSNP rs555285206, ClinGen allele CA769177170.
Genomic context (GRCh38, chr2:44,942,290, plus strand): 5'-CGGCGCGGGAGGCGGCAGCGGCGGCGGGAACGGTGCGGGAGGCGGCGGTGCTGGCGGAGC[A>AGGCGGCGGC]GGCGGCGGCGGCGGCGGCGGCTCCAGGGCCCCCCCGGAAGAGTTGTCCATGTTCCAGCTG-3'